The following is an entry in ClinVar:

NM_017415.3(KLHL3):c.*3244G>T

Gene: KLHL3 (kelch like family member 3; minus strand). Cytogenetic location: 5q31.2.
Variant type: single nucleotide variant.
Coding change: c.*3244G>T on transcript NM_017415.3 (MANE Select); 3244 bases downstream of the stop codon, G replaced by T.
Molecular consequence: 3 prime UTR variant.
Genome position (GRCh38, 1-based): chr5:137,618,854, C>A on the plus strand (G>T on the coding strand, the complement: KLHL3 is on the minus strand). VCF-style: chr5-137618854-C-A. GRCh37 (hg19) VCF-style: chr5-136954543-C-A.
Other names: c.*3244G>T (NM_001257194.1, NM_001257195.2).
Identifiers: ClinVar variation 905918 (VCV000905918.4), dbSNP rs145507791, ClinGen allele CA128092115.
Genomic context (GRCh38, chr5:137,618,854, plus strand): 5'-GGCAAGTGCTGAGTCGAACATAACATCAGTCCCTAGCAATTCAAGAAACACCAGTGACTG[C>A]GTTTTAAAATTCAGCAGACTCCCTTGAATATGGTATTTTTAAAAAAAAAAAAAAGGCTCA-3'

ClinVar aggregate classification (germline): Benign (1 of 4 stars; one submission).

Conditions:
Pseudohypoaldosteronism type 2D (PHA2D). Also called: FAMILIAL HYPERKALEMIC HYPERTENSION; PSEUDOHYPOALDOSTERONISM, TYPE IID, AUTOSOMAL DOMINANT OR RECESSIVE; Pseudohypoaldosteronism Type IID. Identifiers: Orphanet 300525, Orphanet 757, MedGen C3469605, MONDO:0013781, OMIM 614495.

Allele frequency attached by ClinVar (database versions not stated): TOPMed 0.00812; 1000 Genomes Project 0.01038; 1000 Genomes Project 30x 0.01187.

Submission:

Illumina Laboratory Services, Illumina
Classification: Benign for Pseudohypoaldosteronism type 2D. Last evaluated: 2018-01-12. Review status: criteria provided, single submitter. Criteria: ICSL Variant Classification Criteria 13 December 2019. Collection method: clinical testing. Allele origin: germline.
Comment: This variant was observed in the ICSL laboratory as part of a predisposition screen in an ostensibly healthy population. It had not been previously curated by ICSL or reported in the Human Gene Mutation Database (HGMD: prior to June 1st, 2018), and was therefore a candidate for classification through an automated scoring system. Utilizing variant allele frequency, disease prevalence and penetrance estimates, and inheritance mode, an automated score was calculated to assess if this variant is too frequent to cause the disease. Based on the score and internal cut-off values, a variant classified as benign is not then subjected to further curation. The score for this variant resulted in a classification of benign for this disease.